The following is an entry in ClinVar:

NM_001256864.2(DNAJC6):c.1723C>G (p.Pro575Ala)

Gene: DNAJC6 (DnaJ heat shock protein family (Hsp40) member C6; plus strand). Cytogenetic location: 1p31.3.
Variant type: single nucleotide variant.
Coding change: c.1723C>G on transcript NM_001256864.2 (MANE Select); coding-DNA position 1723, C replaced by G.
Protein change: p.Pro575Ala; replaces proline 575 with alanine.
Molecular consequence: missense variant.
Genome position (GRCh38, 1-based): chr1:65,392,685, C>G. VCF-style: chr1-65392685-C-G. GRCh37 (hg19) VCF-style: chr1-65858368-C-G.
Other names: c.1513C>G, p.Pro505Ala (NM_001256865.2); c.1552C>G, p.Pro518Ala (NM_014787.4); short protein forms P505A, P575A, P518A.
Identifiers: ClinVar variation 4986120 (VCV004986120.1).

ClinVar aggregate classification (germline): Uncertain significance (1 of 4 stars; one submission).

Conditions:
DNAJC6-related disorder. Also called: DNAJC6-related condition; DNAJC6-Related Disorders.

gnomAD v4.1: 68 of 1,612,654 alleles (0.0042%); highest among the groups gnomAD compares: Middle Eastern, 0.94%; 3 homozygotes.

Submission:

PreventionGenetics, part of Exact Sciences
Classification: Uncertain significance for DNAJC6-related condition. Last evaluated: 2026-07-09. Review status: criteria provided, single submitter. Criteria: ACMG Guidelines, 2015. Collection method: clinical testing. Allele origin: germline.
Comment: The DNAJC6 c.1723C>G variant is predicted to result in the amino acid substitution p.Pro575Ala. This variant was reported in an individual with Parkinson disease (Suppl. Tables, Smaili et al. 2023. PubMed ID: 37256495). This variant is reported in 0.0029% of alleles in individuals of Latino descent in gnomAD. At this time, the clinical significance of this variant is uncertain due to the absence of conclusive functional and genetic evidence.